The following is an entry in ClinVar:

ClinVar aggregate classification (germline): Uncertain significance. Review status: criteria provided, multiple submitters, no conflicts (2 of 4 stars). 2 submissions from 2 submitters: Uncertain significance (2). Last evaluated 2025-07-07.

Conditions:
EP300-related disorder. Also called: EP300-related condition; EP300-related disorders.

Allele frequency attached by ClinVar (database versions not stated): TOPMed below 0.00001; gnomAD exomes 0.00001.
gnomAD v4.1: 16 of 1,614,076 alleles (0.00099%); highest among the groups gnomAD compares: African/African-American, 0.0013%; no homozygotes.

Submissions (2):

PreventionGenetics, part of Exact Sciences
Classification: Uncertain significance for EP300-related condition. Last evaluated: 2025-07-07. Review status: criteria provided, single submitter. Criteria: ACMG Guidelines, 2015. Collection method: clinical testing. Allele origin: germline.
Comment: The EP300 c.6764C>T variant is predicted to result in the amino acid substitution p.Ala2255Val. To our knowledge, this variant has not been reported in the literature or in a large population database (gnomAD), indicating this variant is rare. At this time, the clinical significance of this variant is uncertain due to the absence of conclusive functional and genetic evidence.

GeneDx
Classification: Uncertain significance. Last evaluated: 2021-07-26. Review status: criteria provided, single submitter. Criteria: GeneDx Variant Classification Process June 2021. Collection method: clinical testing. Allele origin: germline. Affected: yes.
Comment: Not observed at significant frequency in large population cohorts (Lek 2016); In silico analysis supports that this missense variant does not alter protein structure/function; Has not been previously published as pathogenic or benign to our knowledge

NM_001429.4(EP300):c.6764C>T (p.Ala2255Val)

Gene: EP300 (EP300 lysine acetyltransferase; plus strand). Cytogenetic location: 22q13.2.
Variant type: single nucleotide variant.
Coding change: c.6764C>T on transcript NM_001429.4 (MANE Select); coding-DNA position 6764, C replaced by T.
Protein change: p.Ala2255Val; replaces alanine 2255 with valine.
Molecular consequence: missense variant.
Genome position (GRCh38, 1-based): chr22:41,178,475, C>T. VCF-style: chr22-41178475-C-T. GRCh37 (hg19) VCF-style: chr22-41574479-C-T.
Other names: c.6686C>T, p.Ala2229Val (NM_001362843.2); short protein forms A2229V, A2255V.
Identifiers: ClinVar variation 1254188 (VCV001254188.3), dbSNP rs755172061, ClinGen allele CA411682689.